The following is an entry in ClinVar:

NM_013432.5(TONSL):c.2047A>G (p.Ser683Gly)

Genes: TONSL (tonsoku like, DNA repair protein; minus strand), TONSL-AS1 (TONSL antisense RNA 1; plus strand). Cytogenetic location: 8q24.3.
Variant type: single nucleotide variant.
Coding change: c.2047A>G on transcript NM_013432.5 (MANE Select); coding-DNA position 2047, A replaced by G.
Protein change: p.Ser683Gly; replaces serine 683 with glycine.
Molecular consequence: missense variant.
Genome position (GRCh38, 1-based): chr8:144,436,386, T>C on the plus strand (A>G on the coding strand, the complement: TONSL is on the minus strand). VCF-style: chr8-144436386-T-C. GRCh37 (hg19) VCF-style: chr8-145661769-T-C.
Other names: short protein forms S683G.
Identifiers: ClinVar variation 3666915 (VCV003666915.2).

ClinVar aggregate classification (germline): Uncertain significance (1 of 4 stars; one submission).

gnomAD v4.1: 1 of 1,505,108 alleles (0.000066%); no homozygotes.

Submission:

Labcorp Genetics (formerly Invitae), Labcorp
Classification: Uncertain significance. Last evaluated: 2025-01-19. Review status: criteria provided, single submitter. Criteria: Invitae Variant Classification Sherloc (09022015). Collection method: clinical testing. Allele origin: germline.
Comment: This sequence change replaces serine, which is neutral and polar, with glycine, which is neutral and non-polar, at codon 683 of the TONSL protein (p.Ser683Gly). This variant is not present in population databases (gnomAD no frequency). This variant has not been reported in the literature in individuals affected with TONSL-related conditions. Invitae Evidence Modeling of protein sequence and biophysical properties (such as structural, functional, and spatial information, amino acid conservation, physicochemical variation, residue mobility, and thermodynamic stability) indicates that this missense variant is expected to disrupt TONSL protein function with a positive predictive value of 80%. In summary, the available evidence is currently insufficient to determine the role of this variant in disease. Therefore, it has been classified as a Variant of Uncertain Significance.